The following is an entry in ClinVar:

ClinVar aggregate classification (germline): Uncertain significance (1 of 4 stars; one submission).

Conditions:
Dihydropteridine reductase deficiency (HPABH4C). Also called: HYPERPHENYLALANINEMIA, TETRAHYDROBIOPTERIN-DEFICIENT, DUE TO DHPR DEFICIENCY; Phenylketonuria II; BH4-Deficient Hyperphenylalaninemia C; QDPR DEFICIENCY; QUINOID DIHYDROPTERIDINE REDUCTASE DEFICIENCY; DHPR DEFICIENCY. Identifiers: Orphanet 226, Orphanet 238583, MedGen C0268465, MONDO:0009862, OMIM 261630.

Submission:

Labcorp Genetics (formerly Invitae), Labcorp
Classification: Uncertain significance for Dihydropteridine reductase deficiency. Last evaluated: 2021-08-31. Review status: criteria provided, single submitter. Criteria: Invitae Variant Classification Sherloc (09022015). Collection method: clinical testing. Allele origin: germline.
Comment: This sequence change replaces alanine with aspartic acid at codon 122 of the QDPR protein (p.Ala122Asp). The alanine residue is highly conserved and there is a moderate physicochemical difference between alanine and aspartic acid. This variant is not present in population databases (ExAC no frequency). This variant has not been reported in the literature in individuals affected with QDPR-related conditions. Algorithms developed to predict the effect of missense changes on protein structure and function (SIFT, PolyPhen-2, Align-GVGD) all suggest that this variant is likely to be disruptive. In summary, the available evidence is currently insufficient to determine the role of this variant in disease. Therefore, it has been classified as a Variant of Uncertain Significance.

NM_000320.3(QDPR):c.365C>A (p.Ala122Asp)

Gene: QDPR (quinoid dihydropteridine reductase; minus strand). Cytogenetic location: 4p15.32.
Variant type: single nucleotide variant.
Coding change: c.365C>A on transcript NM_000320.3 (MANE Select); coding-DNA position 365, C replaced by A.
Protein change: p.Ala122Asp; replaces alanine 122 with aspartic acid.
Molecular consequence: missense variant. On other transcripts: non-coding transcript variant (1).
Genome position (GRCh38, 1-based): chr4:17,501,790, G>T on the plus strand (C>A on the coding strand, the complement: QDPR is on the minus strand). VCF-style: chr4-17501790-G-T. GRCh37 (hg19) VCF-style: chr4-17503413-G-T.
Other names: c.272C>A, p.Ala91Asp (NM_001306140.2); short protein forms A122D, A91D.
Identifiers: ClinVar variation 459897 (VCV000459897.6), dbSNP rs1553875105, ClinGen allele CA356448453.